The following is an entry in ClinVar:

ClinVar aggregate classification (germline): Conflicting classifications of pathogenicity. Review status: criteria provided, conflicting classifications (1 of 4 stars). 7 submissions from 5 submitters: Uncertain significance (5); Likely benign (2). Last evaluated 2026-01-31.

Conditions:
Pseudohypoaldosteronism, type IB2, autosomal recessive (PHA1B2). Identifiers: MedGen C5774255, MONDO:0859317, OMIM 620125.
Bronchiectasis with or without elevated sweat chloride 1 (BESC1). Also called: Cystic Fibrosis-Like Syndrome. Identifiers: Orphanet 60033, MedGen C2749757, MONDO:0008887, OMIM 211400.
Liddle syndrome 1 (LIDLS1). Also called: PSEUDOALDOSTERONISM. Identifiers: Orphanet 526, MedGen CN031472, MONDO:0020607, OMIM 177200.
SCNN1B-related disorder. Also called: SCNN1B-related condition.
Pseudohypoaldosteronism, type IB1, autosomal recessive. Also called: Autosomal recessive pseudohypoaldosteronism type 1; Pseudohypoaldosteronism, Type I, Recessive; PHA I, AUTOSOMAL RECESSIVE; Pseudohypoaldosteronism, Type I, Autosomal Recessive. Identifiers: Orphanet 171876, Orphanet 756, MedGen C5774176, MONDO:0009917, OMIM 264350.
Inborn genetic diseases. Identifiers: MedGen C0950123, MeSH D030342.

Allele frequency attached by ClinVar (database versions not stated): ESP Exome Variant Server 0.00008; ExAC 0.00013; TOPMed 0.00004; gnomAD 0.00006; gnomAD exomes 0.00014 and 0.00009.
gnomAD v4.1: 140 of 1,614,204 alleles (0.0087%); highest among the groups gnomAD compares: Middle Eastern, 0.033%; no homozygotes.

Submissions (7):

GeneDx
Classification: Uncertain significance. Last evaluated: 2026-01-31. Review status: criteria provided, single submitter. Criteria: GeneDx Variant Classification Process June 2021. Collection method: clinical testing. Allele origin: germline.
Comment: In silico analysis suggests that this missense variant does not alter protein structure/function; Has not been previously published as pathogenic or benign to our knowledge

Labcorp Genetics (formerly Invitae), Labcorp
Classification: Uncertain significance. Last evaluated: 2025-10-26. Review status: criteria provided, single submitter. Criteria: Invitae Variant Classification Sherloc (09022015). Collection method: clinical testing. Allele origin: germline.
Comment: This sequence change replaces serine, which is neutral and polar, with phenylalanine, which is neutral and non-polar, at codon 143 of the SCNN1B protein (p.Ser143Phe). This variant is present in population databases (rs199810483, gnomAD 0.1%). This variant has not been reported in the literature in individuals affected with SCNN1B-related conditions. ClinVar contains an entry for this variant (Variation ID: 318421). An algorithm developed to predict the effect of missense changes on protein structure and function (PolyPhen-2) suggests that this variant is likely to be tolerated. In summary, the available evidence is currently insufficient to determine the role of this variant in disease. Therefore, it has been classified as a Variant of Uncertain Significance.

Ambry Genetics
Classification: Uncertain significance for Inborn genetic diseases. Last evaluated: 2025-08-22. Review status: criteria provided, single submitter. Criteria: Ambry Variant Classification Scheme 2023. Collection method: clinical testing. Allele origin: germline.

Fulgent Genetics
Classification: Uncertain significance for Liddle syndrome 1; Bronchiectasis with or without elevated sweat chloride 1; Pseudohypoaldosteronism, type IB2, autosomal recessive. Last evaluated: 2024-06-05. Review status: criteria provided, single submitter. Criteria: ACMG Guidelines, 2015. Collection method: clinical testing. Allele origin: germline.

Illumina Laboratory Services, Illumina
Classification: Likely benign for Bronchiectasis with or without elevated sweat chloride 1. Last evaluated: 2018-01-13. Review status: criteria provided, single submitter. Criteria: ICSL Variant Classification Criteria 13 December 2019. Collection method: clinical testing. Allele origin: germline.
Comment: This variant was observed in the ICSL laboratory as part of a predisposition screen in an ostensibly healthy population. It had not been previously curated by ICSL or reported in the Human Gene Mutation Database (HGMD: prior to June 1st, 2018), and was therefore a candidate for classification through an automated scoring system. Utilizing variant allele frequency, disease prevalence and penetrance estimates, and inheritance mode, an automated score was calculated to assess if this variant is too frequent to cause the disease. Based on the score and internal cut-off values, a variant classified as likely benign is not then subjected to further curation. The score for this variant resulted in a classification of likely benign for this disease.

Illumina Laboratory Services, Illumina
Classification: Likely benign for Liddle syndrome 1. Last evaluated: 2018-01-13. Review status: criteria provided, single submitter. Criteria: ICSL Variant Classification Criteria 13 December 2019. Collection method: clinical testing. Allele origin: germline.
Comment: the same text as in the submission from Illumina Laboratory Services, Illumina above.

Illumina Laboratory Services, Illumina
Classification: Uncertain significance for Pseudohypoaldosteronism, type IB1, autosomal recessive. Last evaluated: 2018-01-13. Review status: criteria provided, single submitter. Criteria: ICSL Variant Classification Criteria 13 December 2019. Collection method: clinical testing. Allele origin: germline.

NM_000336.3(SCNN1B):c.428C>T (p.Ser143Phe)

Gene: SCNN1B (sodium channel epithelial 1 subunit beta; plus strand). Cytogenetic location: 16p12.2.
Variant type: single nucleotide variant.
Coding change: c.428C>T on transcript NM_000336.3 (MANE Select); coding-DNA position 428, C replaced by T.
Protein change: p.Ser143Phe; replaces serine 143 with phenylalanine.
Molecular consequence: missense variant.
Genome position (GRCh38, 1-based): chr16:23,352,917, C>T. VCF-style: chr16-23352917-C-T. GRCh37 (hg19) VCF-style: chr16-23364238-C-T.
Other names: short protein forms S143F.
Identifiers: ClinVar variation 318421 (VCV000318421.12), dbSNP rs199810483, ClinGen allele CA7960149.